The following is an entry in ClinVar:

NM_020911.2(PLXNA4):c.2299-7G>T

Gene: PLXNA4 (plexin A4; minus strand). Cytogenetic location: 7q32.3.
Variant type: single nucleotide variant.
Coding change: c.2299-7G>T on transcript NM_020911.2 (MANE Select); 7 bases into the intron before coding-DNA position 2299, G replaced by T.
Molecular consequence: intron variant.
Genome position (GRCh38, 1-based): chr7:132,203,426, C>A on the plus strand (G>T on the coding strand, the complement: PLXNA4 is on the minus strand). VCF-style: chr7-132203426-C-A. GRCh37 (hg19) VCF-style: chr7-131888185-C-A.
Other names: c.2299-7G>T (NM_001393897.1).
Identifiers: ClinVar variation 3037042 (VCV003037042.2), dbSNP rs372576503, ClinGen allele CA4489823.
Genomic context (GRCh38, chr7:132,203,426, plus strand): 5'-CACGACTGTCAACTCCACGGGCAGGTTGTTGATCTCCATCCCTTCATAGGAATACTGCAG[C>A]CAGGTCGGGGAGGAGGAAAGAAGAAAGTGGGGTCACAGAGAGTTCTAGAGAGGGCCCAAA-3'

ClinVar aggregate classification (germline): Likely benign (0 of 4 stars; one submission).

Conditions:
PLXNA4-related disorder. Also called: PLXNA4-related condition.

Allele frequency attached by ClinVar (database versions not stated): ExAC 0.00004; gnomAD 0.00007; ESP Exome Variant Server 0.00008; TOPMed 0.00008.
gnomAD v4.1: 215 of 1,613,290 alleles (0.013%); highest among the groups gnomAD compares: Non-Finnish European, 0.017%; no homozygotes.

Submission:

PreventionGenetics, part of Exact Sciences
Classification: Likely benign for PLXNA4-related condition. Last evaluated: 2022-03-22. Review status: no assertion criteria provided. Collection method: clinical testing. Allele origin: germline.
Comment: This variant is classified as likely benign based on ACMG/AMP sequence variant interpretation guidelines (Richards et al. 2015 PMID: 25741868, with internal and published modifications).